The following is an entry in ClinVar:

NM_006084.5(IRF9):c.626A>G (p.Glu209Gly)

Gene: IRF9 (interferon regulatory factor 9; plus strand). Cytogenetic location: 14q12.
Variant type: single nucleotide variant.
Coding change: c.626A>G on transcript NM_006084.5 (MANE Select); coding-DNA position 626, A replaced by G.
Protein change: p.Glu209Gly; replaces glutamic acid 209 with glycine.
Molecular consequence: missense variant.
Genome position (GRCh38, 1-based): chr14:24,164,111, A>G. VCF-style: chr14-24164111-A-G. GRCh37 (hg19) VCF-style: chr14-24633320-A-G.
Other names: c.626A>G, p.Glu209Gly (NM_001385400.1, NM_001385401.1, NM_001385402.1); short protein forms E209G.
Identifiers: ClinVar variation 1927553 (VCV001927553.5), dbSNP rs2502042631, ClinGen allele CA389206055.

ClinVar aggregate classification (germline): Uncertain significance (1 of 4 stars; one submission).

Allele frequency attached by ClinVar (database versions not stated): gnomAD exomes below 0.00001.

Submission:

Labcorp Genetics (formerly Invitae), Labcorp
Classification: Uncertain significance. Last evaluated: 2023-11-07. Review status: criteria provided, single submitter. Criteria: Invitae Variant Classification Sherloc (09022015). Collection method: clinical testing. Allele origin: germline.
Comment: This sequence change replaces glutamic acid, which is acidic and polar, with glycine, which is neutral and non-polar, at codon 209 of the IRF9 protein (p.Glu209Gly). This variant is not present in population databases (gnomAD no frequency). This variant has not been reported in the literature in individuals affected with IRF9-related conditions. ClinVar contains an entry for this variant (Variation ID: 1927553). An algorithm developed to predict the effect of missense changes on protein structure and function (PolyPhen-2) suggests that this variant is likely to be tolerated. In summary, the available evidence is currently insufficient to determine the role of this variant in disease. Therefore, it has been classified as a Variant of Uncertain Significance.